The following is an entry in ClinVar:

ClinVar aggregate classification (germline): Uncertain significance (1 of 4 stars; one submission).

Conditions:
Niemann-Pick disease, type C1. Also called: NIEMANN-PICK DISEASE, VARIANT TYPE C1; NEUROVISCERAL STORAGE DISEASE WITH VERTICAL SUPRANUCLEAR OPHTHALMOPLEGIA; NIEMANN-PICK DISEASE WITH CHOLESTEROL ESTERIFICATION BLOCK; NIEMANN-PICK DISEASE WITHOUT SPHINGOMYELINASE DEFICIENCY; NIEMANN-PICK DISEASE, CHRONIC NEURONOPATHIC FORM. Identifiers: Orphanet 646, MedGen C3179455, MONDO:0009757, OMIM 257220.

Submission:

Labcorp Genetics (formerly Invitae), Labcorp
Classification: Uncertain significance for Niemann-Pick disease, type C1. Last evaluated: 2022-08-21. Review status: criteria provided, single submitter. Criteria: Invitae Variant Classification Sherloc (09022015). Collection method: clinical testing. Allele origin: germline.
Comment: This sequence change replaces phenylalanine, which is neutral and non-polar, with leucine, which is neutral and non-polar, at codon 66 of the NPC1 protein (p.Phe66Leu). This variant is not present in population databases (gnomAD no frequency). This variant has not been reported in the literature in individuals affected with NPC1-related conditions. Advanced modeling of protein sequence and biophysical properties (such as structural, functional, and spatial information, amino acid conservation, physicochemical variation, residue mobility, and thermodynamic stability) performed at Invitae indicates that this missense variant is not expected to disrupt NPC1 protein function. In summary, the available evidence is currently insufficient to determine the role of this variant in disease. Therefore, it has been classified as a Variant of Uncertain Significance.

NM_000271.5(NPC1):c.198C>A (p.Phe66Leu)

Gene: NPC1 (NPC intracellular cholesterol transporter 1; minus strand). Cytogenetic location: 18q11.2.
Variant type: single nucleotide variant.
Coding change: c.198C>A on transcript NM_000271.5 (MANE Select); coding-DNA position 198, C replaced by A.
Protein change: p.Phe66Leu; replaces phenylalanine 66 with leucine.
Molecular consequence: missense variant.
Genome position (GRCh38, 1-based): chr18:23,572,163, G>T on the plus strand (C>A on the coding strand, the complement: NPC1 is on the minus strand). VCF-style: chr18-23572163-G-T. GRCh37 (hg19) VCF-style: chr18-21152127-G-T.
Other names: short protein forms F66L.
Identifiers: ClinVar variation 1715053 (VCV001715053.3), dbSNP rs1464483708, ClinGen allele CA401786580.